The following is an entry in ClinVar:

NM_000218.3(KCNQ1):c.1559T>A (p.Met520Lys)

Gene: KCNQ1 (potassium voltage-gated channel subfamily Q member 1; plus strand). Cytogenetic location: 11p15.5.
Variant type: single nucleotide variant.
Coding change: c.1559T>A on transcript NM_000218.3 (MANE Select); coding-DNA position 1559, T replaced by A.
Protein change: p.Met520Lys; replaces methionine 520 with lysine.
Molecular consequence: missense variant.
Genome position (GRCh38, 1-based): chr11:2,768,888, T>A. VCF-style: chr11-2768888-T-A. GRCh37 (hg19) VCF-style: chr11-2790118-T-A.
Other names: c.1463T>A, p.Met488Lys (NM_001406836.1); c.1289T>A, p.Met430Lys (NM_001406837.1); c.1019T>A, p.Met340Lys (NM_001406838.1); c.1178T>A, p.Met393Lys (NM_181798.2); short protein forms M430K, M340K, M520K, M393K, M488K.
Identifiers: ClinVar variation 2000331 (VCV002000331.4), dbSNP rs199473479, ClinGen allele CA379138972.

ClinVar aggregate classification (germline): Likely pathogenic (1 of 4 stars; one submission).

Conditions:
Long QT syndrome (LQTS). Identifiers: MedGen C0023976, MeSH D008133, MONDO:0002442. Disease mechanism: loss of function. Inheritance: Various modes of inheritance.

Submission:

Labcorp Genetics (formerly Invitae), Labcorp
Classification: Likely pathogenic for Long QT syndrome. Last evaluated: 2022-11-29. Review status: criteria provided, single submitter. Criteria: Invitae Variant Classification Sherloc (09022015). Collection method: clinical testing. Allele origin: germline.
Comment: This sequence change replaces methionine, which is neutral and non-polar, with lysine, which is basic and polar, at codon 520 of the KCNQ1 protein (p.Met520Lys). This variant is not present in population databases (gnomAD no frequency). This missense change has been observed in individual(s) with long QT syndrome (Invitae). Advanced modeling of protein sequence and biophysical properties (such as structural, functional, and spatial information, amino acid conservation, physicochemical variation, residue mobility, and thermodynamic stability) performed at Invitae indicates that this missense variant is expected to disrupt KCNQ1 protein function. This variant disrupts the p.Met520 amino acid residue in KCNQ1. Other variant(s) that disrupt this residue have been determined to be pathogenic (PMID: 17482572, 22456477, 22949429, 26669661). This suggests that this residue is clinically significant, and that variants that disrupt this residue are likely to be disease-causing. In summary, the currently available evidence indicates that the variant is pathogenic, but additional data are needed to prove that conclusively. Therefore, this variant has been classified as Likely Pathogenic.

Literature cited by the submitters: PubMed 17482572; PubMed 22456477; PubMed 22949429; PubMed 26669661.